The following is an entry in ClinVar:

ClinVar aggregate classification (germline): Conflicting classifications of pathogenicity. Review status: criteria provided, conflicting classifications (1 of 4 stars). 2 submissions from 2 submitters: Likely pathogenic (1); Uncertain significance (1). Last evaluated 2022-04-07.

Conditions:
POLR3A-related neurological disorders.

Submissions (2):

GeneDx
Classification: Uncertain significance. Last evaluated: 2022-04-07. Review status: criteria provided, single submitter. Criteria: GeneDx Variant Classification Process June 2021. Collection method: clinical testing. Allele origin: germline. Affected: yes.
Comment: Not observed at significant frequency in large population cohorts (gnomAD); In silico analysis supports that this missense variant has a deleterious effect on protein structure/function; Has not been previously published as pathogenic or benign to our knowledge

Illumina Laboratory Services, Illumina
Classification: Likely pathogenic for POLR3A-related neurological disorders. Last evaluated: 2021-10-13. Review status: criteria provided, single submitter. Criteria: ICSLVariantClassificationCriteria RUGD 01 April 2020. Collection method: clinical testing. Allele origin: unknown.
Comment: The POLR3A c.3014G>T (p.Arg1005Leu) variant is a missense variant. While this variant has not been reported in the literature, other variants at the Arg1005 residue have been described in individuals with POLR3A-related neurological disorders. This includes at least four individuals with the p.Arg1005Cys variant and three individuals with the p.Arg1005His variant, all present in a compound heterozygous state (Bernard et al. 2011; Saitsu et al. 2011; Potic et al. 2012; Daoud et al. 2013; Wolf et al. 2014). The p.Arg1005Leu variant is not found in the Genome Aggregation Database in a region of good sequence coverage, so the variant is presumed to be rare. While no functional studies have been performed for the p.Arg1005Leu variant, in silico tools predict a deleterious effect of the variant. Based on the available evidence, the p.Arg1005Leu variant is classified as likely pathogenic for POLR3A-related neurological disorders.

Literature cited by the submitters: PubMed 21855841 (cited by Illumina Laboratory Services, Illumina); PubMed 22036171 (cited by Illumina Laboratory Services, Illumina); PubMed 22451160 (cited by Illumina Laboratory Services, Illumina); PubMed 23355746 (cited by Illumina Laboratory Services, Illumina); PubMed 25339210 (cited by Illumina Laboratory Services, Illumina).

NM_007055.4(POLR3A):c.3014G>T (p.Arg1005Leu)

Gene: POLR3A (RNA polymerase III subunit A; minus strand). Cytogenetic location: 10q22.3.
Variant type: single nucleotide variant.
Coding change: c.3014G>T on transcript NM_007055.4 (MANE Select); coding-DNA position 3014, G replaced by T.
Protein change: p.Arg1005Leu; replaces arginine 1005 with leucine.
Molecular consequence: missense variant.
Genome position (GRCh38, 1-based): chr10:77,985,960, C>A on the plus strand (G>T on the coding strand, the complement: POLR3A is on the minus strand). VCF-style: chr10-77985960-C-A. GRCh37 (hg19) VCF-style: chr10-79745718-C-A.
Other names: short protein forms R1005L.
Identifiers: ClinVar variation 1328129 (VCV001328129.5), dbSNP rs200118797, ClinGen allele CA377331717.
Genomic context (GRCh38, chr10:77,985,960, plus strand): 5'-TACCTCATGTACTTGTCCCTACAGGTCTCCAGAAACTTTTCTACTTGGGTGGGGGTGATG[C>A]GGTCCAGCTGGTACAGCACACGGGGCTGGGAGAATACAAGCCAAGCACAGAGTTAGGGCC-3'
Protein context (NP_008986.2, residues 995-1015): TEPRVLYQLD[Arg1005Leu]ITPTQVEKFL